The following is an entry in ClinVar:

NM_021625.5(TRPV4):c.1130_1152+16del

Gene: TRPV4 (transient receptor potential cation channel subfamily V member 4; minus strand). Cytogenetic location: 12q24.11.
Variant type: Deletion.
Coding change: c.1130_1152+16del on transcript NM_021625.5 (MANE Select); coding-DNA position 1130 through 16 bases into the intron after coding-DNA position 1152, 39 bases deleted.
Molecular consequence: splice donor variant.
Genome position (GRCh38, 1-based): chr12:109,798,598-109,798,636, 39 bases deleted; deleting any 39 consecutive bases within chr12:109,798,598-109,798,639 gives the same sequence; the c. name uses the placement nearest the transcript's 3' end. GRCh37 (hg19): chr12:110,236,406-110,236,444.
Other names: c.989_1011+16del (NM_001177433.1, NM_001177428.1); c.1130_1152+16del (NM_147204.2); c.1028_1050+16del (NM_001177431.1).
Identifiers: ClinVar variation 1402841 (VCV001402841.6), dbSNP rs2136516895, ClinGen allele CA2573147934.

ClinVar aggregate classification (germline): Uncertain significance. Review status: criteria provided, multiple submitters, no conflicts (2 of 4 stars). 2 submissions from 2 submitters: Uncertain significance (2). Last evaluated 2023-06-08.

Conditions:
TRPV4-related disorder. Also called: TRPV4-related disorders; TRPV4-related condition.
Charcot-Marie-Tooth disease axonal type 2C (HMSN2C). Also called: Charcot-Marie-Tooth Disease Type 2, TRPV4-Related (CMT2C); CHARCOT-MARIE-TOOTH DISEASE, AXONAL, AUTOSOMAL DOMINANT, TYPE 2C; Charcot-Marie-Tooth Neuropathy Type 2C. Identifiers: Orphanet 99937, MedGen C1853710, MONDO:0011633, OMIM 606071.

Submissions (2):

PreventionGenetics, part of Exact Sciences
Classification: Uncertain significance for TRPV4-related condition. Last evaluated: 2023-06-08. Review status: criteria provided, single submitter. Criteria: ACMG Guidelines, 2015. Collection method: clinical testing. Allele origin: germline.
Comment: The TRPV4 c.1130_1152+16del39 variant is predicted to result in a deletion affecting a canonical splice site. To our knowledge, this variant has not been reported in the literature or in a large population database, indicating this variant is rare. Although we suspect that this variant may be pathogenic, at this time, the clinical significance of this variant is uncertain due to the absence of conclusive functional and genetic evidence.

Labcorp Genetics (formerly Invitae), Labcorp
Classification: Uncertain significance for Charcot-Marie-Tooth disease axonal type 2C. Last evaluated: 2021-11-05. Review status: criteria provided, single submitter. Criteria: Invitae Variant Classification Sherloc (09022015). Collection method: clinical testing. Allele origin: germline.
Comment: This variant is not present in population databases (gnomAD no frequency). This variant results in the deletion of part of exon 6 (c.1130_1152+16del) of the TRPV4 gene. It is expected to disrupt RNA splicing. Variants that disrupt the donor or acceptor splice site typically lead to a loss of protein function (PMID: 16199547), however the current clinical and genetic evidence is not sufficient to establish whether loss-of-function variants in TRPV4 cause disease. This variant has not been reported in the literature in individuals affected with TRPV4-related conditions. Algorithms developed to predict the effect of sequence changes on RNA splicing suggest that this variant may disrupt the consensus splice site. In summary, the available evidence is currently insufficient to determine the role of this variant in disease. Therefore, it has been classified as a Variant of Uncertain Significance.

Literature cited by the submitters: PubMed 16199547 (cited by Labcorp Genetics (formerly Invitae), Labcorp).